The following is an entry in ClinVar:

NM_001130438.3(SPTAN1):c.3849G>A (p.Ala1283=)

Gene: SPTAN1 (spectrin alpha, non-erythrocytic 1; plus strand). Cytogenetic location: 9q34.11.
Variant type: single nucleotide variant.
Coding change: c.3849G>A on transcript NM_001130438.3 (MANE Select); coding-DNA position 3849, G replaced by A.
Protein change: p.Ala1283=; no amino-acid change (alanine 1283 retained).
Molecular consequence: synonymous variant.
Genome position (GRCh38, 1-based): chr9:128,605,163, G>A. VCF-style: chr9-128605163-G-A. GRCh37 (hg19) VCF-style: chr9-131367442-G-A.
Other names: p.A1283A:GCG>GCA; c.3789G>A, p.Ala1263= (NM_001195532.2, NM_001363765.2); c.3849G>A, p.Ala1283= (NM_001363759.2, NM_003127.4).
Identifiers: ClinVar variation 139286 (VCV000139286.19), dbSNP rs117614529, ClinGen allele CA293727.

ClinVar aggregate classification (germline): Benign/Likely benign. Review status: criteria provided, multiple submitters, no conflicts (2 of 4 stars). 6 submissions from 6 submitters: Benign (3); Likely benign (3). Last evaluated 2026-02-17.

Conditions:
Early-infantile DEE. Also called: Early infantile epileptic encephalopathy with suppression bursts; Early infantile epileptic encephalopathy; Ohtahara syndrome. Identifiers: Orphanet 1934, MedGen C0393706, MONDO:0800491.
Inborn genetic diseases. Identifiers: MedGen C0950123, MeSH D030342.
Developmental and epileptic encephalopathy, 5 (DEE5). Identifiers: Orphanet 3451, MedGen C3150731, MONDO:0013277, OMIM 613477.

Allele frequency attached by ClinVar (database versions not stated): gnomAD exomes 0.00009 and 0.00029; gnomAD 0.00022 and 0.00030; ExAC 0.00029; TOPMed 0.00031; ESP Exome Variant Server 0.00062; 1000 Genomes Project 30x 0.00125; 1000 Genomes Project 0.00160.
gnomAD v4.1: 208 of 1,613,970 alleles (0.013%); highest among the groups gnomAD compares: East Asian, 0.18%; 1 homozygote.

Submissions (6):

Women's Health and Genetics/Laboratory Corporation of America, LabCorp
Classification: Likely benign. Last evaluated: 2026-02-17. Review status: criteria provided, single submitter. Criteria: LabCorp Variant Classification Summary - May 2015. Collection method: clinical testing. Allele origin: germline.

Labcorp Genetics (formerly Invitae), Labcorp
Classification: Benign for Early-infantile DEE. Last evaluated: 2026-02-02. Review status: criteria provided, single submitter. Criteria: Invitae Variant Classification Sherloc (09022015). Collection method: clinical testing. Allele origin: germline.

Blueprint Genetics
Classification: Likely benign. Last evaluated: 2023-08-02. Review status: criteria provided, single submitter. Criteria: ACMG Guidelines, 2015. Collection method: clinical testing. Allele origin: germline.

Genome-Nilou Lab
Classification: Benign for Developmental and epileptic encephalopathy, 5. Last evaluated: 2021-07-15. Review status: criteria provided, single submitter. Criteria: ACMG Guidelines, 2015. Collection method: clinical testing. Allele origin: germline. Affected: no.

Ambry Genetics
Classification: Likely benign for Inborn genetic diseases. Last evaluated: 2017-06-16. Review status: criteria provided, single submitter. Criteria: Ambry Variant Classification Scheme 2023. Collection method: clinical testing. Allele origin: germline.

GeneDx
Classification: Benign. Last evaluated: 2014-05-08. Review status: criteria provided, single submitter. Criteria: GeneDx Variant Classification (06012015). Collection method: clinical testing. Allele origin: germline. Affected: yes.
Comment: This variant is considered likely benign or benign based on one or more of the following criteria: it is a conservative change, it occurs at a poorly conserved position in the protein, it is predicted to be benign by multiple in silico algorithms, and/or has population frequency not consistent with disease.